The following is an entry in ClinVar:

ClinVar aggregate classification (germline): Benign/Likely benign. Review status: criteria provided, multiple submitters, no conflicts (2 of 4 stars). 3 submissions from 3 submitters: Benign (1); Likely benign (2). Last evaluated 2025-01-13.

Conditions:
Familial cancer of breast. Also called: BREAST CANCER, FAMILIAL; Hereditary breast cancer; hereditary breast carcinoma. Identifiers: Orphanet 227535, MedGen C0346153, MONDO:0016419, OMIM 114480. Disease mechanism: loss of function.
Hereditary cancer-predisposing syndrome. Also called: Tumor predisposition; Hereditary Cancer Syndrome; Hereditary neoplastic syndrome; Neoplastic Syndromes, Hereditary. Identifiers: Orphanet 140162, MedGen C0027672, MeSH D009386, MONDO:0015356.

Submissions (3):

Myriad Genetics, Inc.
Classification: Benign for Familial cancer of breast. Last evaluated: 2025-01-13. Review status: criteria provided, single submitter. Criteria: Myriad Autosomal Dominant, Autosomal Recessive and X-Linked Classification Criteria (2023). Collection method: clinical testing. Allele origin: unknown.
Comment: This variant is considered benign. This variant is a silent/synonymous amino acid change and it is not expected to impact splicing.

Ambry Genetics
Classification: Likely benign for Hereditary cancer-predisposing syndrome. Last evaluated: 2025-01-03. Review status: criteria provided, single submitter. Criteria: Ambry Variant Classification Scheme 2023. Collection method: clinical testing. Allele origin: germline.

Labcorp Genetics (formerly Invitae), Labcorp
Classification: Likely benign for Familial cancer of breast. Last evaluated: 2024-11-10. Review status: criteria provided, single submitter. Criteria: Invitae Variant Classification Sherloc (09022015). Collection method: clinical testing. Allele origin: germline.

NM_024675.4(PALB2):c.1425A>G (p.Ser475=)

Gene: PALB2 (partner and localizer of BRCA2; minus strand). Cytogenetic location: 16p12.2.
Variant type: single nucleotide variant.
Coding change: c.1425A>G on transcript NM_024675.4 (MANE Select); coding-DNA position 1425, A replaced by G.
Protein change: p.Ser475=; no amino-acid change (serine 475 retained).
Molecular consequence: synonymous variant. On other transcripts: intron variant (3).
Genome position (GRCh38, 1-based): chr16:23,635,121, T>C on the plus strand (A>G on the coding strand, the complement: PALB2 is on the minus strand). VCF-style: chr16-23635121-T-C. GRCh37 (hg19) VCF-style: chr16-23646442-T-C.
Other names: c.1365A>G, p.Ser455= (NM_001407296.1); c.1425A>G, p.Ser475= (NM_001407297.1, NM_001407298.1, NM_001407299.1 and 3 more transcripts); c.540A>G, p.Ser180= (NM_001407304.1, NM_001407305.1, NM_001407306.1 and 5 more transcripts); c.49-5846A>G (NM_001407314.1); c.-104-4652A>G (NM_001407313.1, NM_001407312.1).
Identifiers: ClinVar variation 3718354 (VCV003718354.4).